The following is an entry in ClinVar:

ClinVar aggregate classification (germline): Uncertain significance (1 of 4 stars; one submission).

Allele frequency attached by ClinVar (database versions not stated): TOPMed below 0.00001; gnomAD 0.00001.
gnomAD v4.1: 1 of 1,209,295 alleles (0.000083%); highest among the groups gnomAD compares: Non-Finnish European, 0.00011%; no homozygotes.

Submission:

Women's Health and Genetics/Laboratory Corporation of America, LabCorp
Classification: Uncertain significance. Last evaluated: 2023-11-15. Review status: criteria provided, single submitter. Criteria: LabCorp Variant Classification Summary - May 2015. Collection method: clinical testing. Allele origin: germline.
Comment: Variant summary: GABRA3 c.512T>C (p.Leu171Pro) results in a non-conservative amino acid change located in the Neurotransmitter-gated ion-channel ligand binding domain (IPR006202) of the encoded protein sequence. Five of five in-silico tools predict a damaging effect of the variant on protein function. The variant was absent in 182956 control chromosomes. The available data on variant occurrences in the general population are insufficient to allow any conclusion about variant significance. To our knowledge, no occurrence of c.512T>C in individuals affected with Epilepsy, X-Linked 2, With Or Without Impaired Intellectual Development And Dysmorphic Features and no experimental evidence demonstrating its impact on protein function have been reported. No submitters have cited clinical-significance assessments for this variant to ClinVar after 2014. Based on the evidence outlined above, the variant was classified as uncertain significance.

NM_000808.4(GABRA3):c.512T>C (p.Leu171Pro)

Gene: GABRA3 (gamma-aminobutyric acid type A receptor subunit alpha3; minus strand). Cytogenetic location: Xq28.
Variant type: single nucleotide variant.
Coding change: c.512T>C on transcript NM_000808.4 (MANE Select); coding-DNA position 512, T replaced by C.
Protein change: p.Leu171Pro; replaces leucine 171 with proline.
Molecular consequence: missense variant.
Genome position (GRCh38, 1-based): chrX:152,255,817, A>G on the plus strand (T>C on the coding strand, the complement: GABRA3 is on the minus strand). VCF-style: chrX-152255817-A-G. GRCh37 (hg19) VCF-style: chrX-151424289-A-G.
Other names: short protein forms L171P.
Identifiers: ClinVar variation 2682531 (VCV002682531.1), dbSNP rs1457883071, ClinGen allele CA415276700.